The following is an entry in ClinVar:

NM_001278716.2(FBXL4):c.1389+4A>T

Gene: FBXL4 (F-box and leucine rich repeat protein 4; minus strand). Cytogenetic location: 6q16.1.
Variant type: single nucleotide variant.
Coding change: c.1389+4A>T on transcript NM_001278716.2 (MANE Select); 4 bases into the intron after coding-DNA position 1389, A replaced by T.
Molecular consequence: intron variant.
Genome position (GRCh38, 1-based): chr6:98,880,549, T>A on the plus strand (A>T on the coding strand, the complement: FBXL4 is on the minus strand). VCF-style: chr6-98880549-T-A. GRCh37 (hg19) VCF-style: chr6-99328425-T-A.
Other names: c.1389+4A>T (NM_012160.5).
Identifiers: ClinVar variation 437746 (VCV000437746.1), dbSNP rs761482653, ClinGen allele CA3933461.

ClinVar aggregate classification (germline): Uncertain significance (1 of 4 stars; one submission).

Conditions:
Mitochondrial DNA depletion syndrome 13. Also called: FBXL4-Related Encephalomyopathic Mitochondrial DNA Depletion Syndrome; Mitochondrial DNA depletion syndrome 13 (encephalomyopathic type). Identifiers: Orphanet 369897, MedGen C3809592, MONDO:0014198, OMIM 615471.

Allele frequency attached by ClinVar (database versions not stated): gnomAD exomes below 0.00001; ExAC 0.00001.
gnomAD v4.1: 1 of 1,613,124 alleles (0.000062%); highest among the groups gnomAD compares: Non-Finnish European, 0.000085%; no homozygotes.

Submission:

Wong Mito Lab, Molecular and Human Genetics, Baylor College of Medicine
Classification: Uncertain significance for Mitochondrial DNA depletion syndrome 13. Last evaluated: 2017-08-10. Review status: criteria provided, single submitter. Criteria: ACMG Guidelines, 2015. Collection method: reference population. Allele origin: germline.
Comment: The NM_012160.4:c.1389+4A>T (NP_036292.2:p.=) [GRCH38: NC_000006.12:g.98880549T>A] variant in FBXL4 gene is interpretated to be a Uncertain Significance - Insufficient Evidence based on ACMG guidelines (PMID: 25741868). This variant meets one or more of the following evidence codes reported in the ACMG-guideline. PM2:This variant is absent in key population databases. Based on this evidence code ClinGen Pathogenicity Calculator (PMID:28081714) suggested that the variant is Uncertain Significance - Insufficient Evidence.